The following is an entry in ClinVar:

ClinVar aggregate classification (germline): Likely benign (1 of 4 stars; one submission).

Submission:

GeneDx
Classification: Likely benign. Last evaluated: 2017-01-24. Review status: criteria provided, single submitter. Criteria: GeneDx Variant Classification (06012015). Collection method: clinical testing. Allele origin: germline. Affected: yes.
Comment: This variant is considered likely benign or benign based on one or more of the following criteria: it is a conservative change, it occurs at a poorly conserved position in the protein, it is predicted to be benign by multiple in silico algorithms, and/or has population frequency not consistent with disease.

NM_017739.4(POMGNT1):c.-51+15G>A

Gene: POMGNT1 (protein O-linked mannose N-acetylglucosaminyltransferase 1 (beta 1,2-); minus strand). Cytogenetic location: 1p34.1.
Variant type: single nucleotide variant.
Coding change: c.-51+15G>A on transcript NM_017739.4 (MANE Select); 15 bases into the intron after 51 bases upstream of the start codon, G replaced by A.
Molecular consequence: intron variant.
Genome position (GRCh38, 1-based): chr1:46,198,321, C>T on the plus strand (G>A on the coding strand, the complement: POMGNT1 is on the minus strand). VCF-style: chr1-46198321-C-T. GRCh37 (hg19) VCF-style: chr1-46663993-C-T.
Other names: c.-50-450G>A (NM_001243766.2).
Identifiers: ClinVar variation 507019 (VCV000507019.1), dbSNP rs978435816, ClinGen allele CA658795461.